The following is an entry in ClinVar:

ClinVar aggregate classification (germline): Uncertain significance (1 of 4 stars; one submission).

gnomAD v4.1: 17 of 1,613,946 alleles (0.0011%); highest among the groups gnomAD compares: African/African-American, 0.0027%; no homozygotes.

Submission:

Labcorp Genetics (formerly Invitae), Labcorp
Classification: Uncertain significance. Last evaluated: 2022-04-12. Review status: criteria provided, single submitter. Criteria: Invitae Variant Classification Sherloc (09022015). Collection method: clinical testing. Allele origin: germline.
Comment: In summary, the available evidence is currently insufficient to determine the role of this variant in disease. Therefore, it has been classified as a Variant of Uncertain Significance. Algorithms developed to predict the effect of missense changes on protein structure and function output the following: SIFT: "Tolerated"; PolyPhen-2: "Benign"; Align-GVGD: "Class C0". The leucine amino acid residue is found in multiple mammalian species, which suggests that this missense change does not adversely affect protein function. This variant has not been reported in the literature in individuals affected with LETM1-related conditions. This variant is present in population databases (rs758331889, gnomAD 0.003%). This sequence change replaces proline, which is neutral and non-polar, with leucine, which is neutral and non-polar, at codon 324 of the LETM1 protein (p.Pro324Leu).

NM_012318.3(LETM1):c.971C>T (p.Pro324Leu)

Gene: LETM1 (leucine zipper and EF-hand containing transmembrane protein 1; minus strand). Cytogenetic location: 4p16.3.
Variant type: single nucleotide variant.
Coding change: c.971C>T on transcript NM_012318.3 (MANE Select); coding-DNA position 971, C replaced by T.
Protein change: p.Pro324Leu; replaces proline 324 with leucine.
Molecular consequence: missense variant.
Genome position (GRCh38, 1-based): chr4:1,832,853, G>A on the plus strand (C>T on the coding strand, the complement: LETM1 is on the minus strand). VCF-style: chr4-1832853-G-A. GRCh37 (hg19) VCF-style: chr4-1834580-G-A.
Other names: short protein forms P324L.
Identifiers: ClinVar variation 1971976 (VCV001971976.5), dbSNP rs758331889, ClinGen allele CA91275699.